The following is an entry in ClinVar:

ClinVar aggregate classification (germline): Likely pathogenic (1 of 4 stars; one submission).

Conditions:
Familial adenomatous polyposis 2. Also called: COLORECTAL ADENOMATOUS POLYPOSIS, AUTOSOMAL RECESSIVE; ADENOMAS, MULTIPLE COLORECTAL, AUTOSOMAL RECESSIVE; FAP type 2; MUTYH Polyposis; MYH-associated polyposis; Adenomas, multiple colorectal. Identifiers: Orphanet 220460, Orphanet 247798, MedGen C3272841, MONDO:0012041, OMIM 608456.

Submission:

Myriad Genetics, Inc.
Classification: Likely pathogenic for Familial adenomatous polyposis 2. Last evaluated: 2023-09-19. Review status: criteria provided, single submitter. Criteria: Myriad Autosomal Dominant, Autosomal Recessive and X-Linked Classification Criteria (2023). Collection method: clinical testing. Allele origin: unknown.
Comment: This variant is considered likely pathogenic. This variant occurs within a consensus splice junction and is predicted to result in abnormal mRNA splicing of either an out-of-frame exon or an in-frame exon necessary for protein stability and/or normal function.

NM_001048174.2(MUTYH):c.704+1G>C

Gene: MUTYH (mutY DNA glycosylase; minus strand). Cytogenetic location: 1p34.1.
Variant type: single nucleotide variant.
Coding change: c.704+1G>C on transcript NM_001048174.2 (MANE Select); the canonical splice donor site of the intron after coding-DNA position 704, G replaced by C.
Molecular consequence: splice donor variant.
Genome position (GRCh38, 1-based): chr1:45,332,390, C>G on the plus strand (G>C on the coding strand, the complement: MUTYH is on the minus strand). VCF-style: chr1-45332390-C-G. GRCh37 (hg19) VCF-style: chr1-45798062-C-G.
Other names: c.704+1G>C (NM_001407072.1, NM_001407073.1, NM_001048171.2 and 6 more transcripts); c.359+1G>C (NM_001350651.2, NM_001350650.2, NM_001407082.1); c.428+1G>C (NM_001293192.2, NM_001293196.2, NM_001407091.1); c.749+1G>C (NM_001293190.2); c.737+1G>C (NM_001407069.1, NM_001407077.1, NM_001293191.2); c.779+1G>C (NM_012222.3); c.788+1G>C (NM_001128425.2); c.707+1G>C (NM_001407071.1, NM_001048172.2, NM_001407078.1 and 1 more transcripts); and 5 more.
Identifiers: ClinVar variation 2673800 (VCV002673800.1), dbSNP rs2149142613, ClinGen allele CA340134742.